The following is an entry in ClinVar:

ClinVar aggregate classification (germline): Pathogenic (1 of 4 stars; one submission).

Conditions:
Hereditary breast ovarian cancer syndrome. Also called: Hereditary breast and ovarian cancer syndrome (HBOC); Hereditary breast and ovarian cancer syndrome; Breast and ovarian cancer; Hereditary breast and/or ovarian cancer syndrome; Hereditary breast and ovarian cancer; BRCA1- and BRCA2-Associated Hereditary Breast and Ovarian Cancer. Identifiers: Orphanet 145, MedGen C0677776, MeSH D061325, MONDO:0003582. Disease mechanism: loss of function.

Submission:

Labcorp Genetics (formerly Invitae), Labcorp
Classification: Pathogenic for Hereditary breast ovarian cancer syndrome. Last evaluated: 2017-04-12. Review status: criteria provided, single submitter. Criteria: Invitae Variant Classification Sherloc (09022015). Collection method: clinical testing. Allele origin: germline.
Comment: For these reasons, this variant has been classified as Pathogenic. While this particular variant has not been reported in the literature, loss-of-function variants in BRCA2 are known to be pathogenic (PMID: 20104584). This sequence change deletes 2 nucleotides from exon 11 of the BRCA2 mRNA (c.2282_2283delAT). This creates a premature translational stop signal (p.Tyr761*) and is expected to result in an absent or disrupted protein product.

Literature cited by the submitters: PubMed 20104584.

NM_000059.4(BRCA2):c.2282_2283del (p.Leu760_Tyr761insTer)

Gene: BRCA2 (BRCA2 DNA repair associated; plus strand). Cytogenetic location: 13q13.1.
Variant type: Microsatellite.
Coding change: c.2282_2283del on transcript NM_000059.4 (MANE Select); coding-DNA positions 2282 to 2283, 2 bases deleted (AT; older notation c.2282_2283delAT).
Protein change: p.Leu760_Tyr761insTer.
Molecular consequence: nonsense.
Genome position (GRCh38, 1-based): chr13:32,336,637-32,336,638, AT deleted; deleting any 2 consecutive bases within chr13:32,336,634-32,336,638 gives the same sequence; the c. name uses the placement nearest the transcript's 3' end. VCF-style (leftmost placement, unchanged base first): chr13-32336633-TTA-T. GRCh37 (hg19) VCF-style: chr13-32910770-TTA-T.
Other names: c.2282_2283delAT (NM_000059.3).
Identifiers: ClinVar variation 462262 (VCV000462262.9), dbSNP rs1555282597, ClinGen allele CA658656372.